The following is an entry in ClinVar:

NM_000553.6(WRN):c.1054G>T (p.Asp352Tyr)

Gene: WRN (WRN RecQ like helicase; plus strand). Cytogenetic location: 8p12.
Variant type: single nucleotide variant.
Coding change: c.1054G>T on transcript NM_000553.6 (MANE Select); coding-DNA position 1054, G replaced by T.
Protein change: p.Asp352Tyr; replaces aspartic acid 352 with tyrosine.
Molecular consequence: missense variant.
Genome position (GRCh38, 1-based): chr8:31,081,081, G>T. VCF-style: chr8-31081081-G-T. GRCh37 (hg19) VCF-style: chr8-30938597-G-T.
Other names: short protein forms D352Y.
Identifiers: ClinVar variation 1020722 (VCV001020722.5), dbSNP rs1813289867, ClinGen allele CA370920451.

ClinVar aggregate classification (germline): Uncertain significance (1 of 4 stars; one submission).

Conditions:
Werner syndrome (WRN). Identifiers: Orphanet 902, MedGen C0043119, MONDO:0010196, OMIM 277700.

Submission:

Labcorp Genetics (formerly Invitae), Labcorp
Classification: Uncertain significance for Werner syndrome. Last evaluated: 2022-05-19. Review status: criteria provided, single submitter. Criteria: Invitae Variant Classification Sherloc (09022015). Collection method: clinical testing. Allele origin: germline.
Comment: This sequence change replaces aspartic acid, which is acidic and polar, with tyrosine, which is neutral and polar, at codon 352 of the WRN protein (p.Asp352Tyr). This variant is not present in population databases (gnomAD no frequency). This variant has not been reported in the literature in individuals affected with WRN-related conditions. ClinVar contains an entry for this variant (Variation ID: 1020722). Algorithms developed to predict the effect of missense changes on protein structure and function are either unavailable or do not agree on the potential impact of this missense change (SIFT: "Not Available"; PolyPhen-2: "Benign"; Align-GVGD: "Not Available"). In summary, the available evidence is currently insufficient to determine the role of this variant in disease. Therefore, it has been classified as a Variant of Uncertain Significance.